The following is an entry in ClinVar:

ClinVar aggregate classification (germline): Uncertain significance (1 of 4 stars; one submission).

Conditions:
Ehlers-Danlos syndrome, kyphoscoliotic type, 2. Also called: Ehlers-Danlos syndrome with progressive kyphoscoliosis, myopathy, and hearing loss; FKBP14-Kyphoscoliotic Ehlers-Danlos Syndrome; Ehlers-Danlos syndrome, kyphoscoliotic and deafness type. Identifiers: Orphanet 300179, MedGen C3281160, MONDO:0013800, OMIM 614557.

Submission:

Labcorp Genetics (formerly Invitae), Labcorp
Classification: Uncertain significance for Ehlers-Danlos syndrome, kyphoscoliotic type, 2. Last evaluated: 2021-07-31. Review status: criteria provided, single submitter. Criteria: Invitae Variant Classification Sherloc (09022015). Collection method: clinical testing. Allele origin: germline.
Comment: In summary, the available evidence is currently insufficient to determine the role of this variant in disease. Therefore, it has been classified as a Variant of Uncertain Significance. This variant has not been reported in the literature in individuals with FKBP14-related conditions. A copy number gain of the genomic region encompassing the full coding sequence of the FKBP14 gene has been identified. The boundaries of this event are unknown as they extend beyond the assayed region for this gene and therefore may encompass additional genes. As the precise location of this event is unknown, it may be in tandem or it may be located elsewhere in the genome.

NC_000007.13:g.(?_30054351)_(31018859_?)dup

Genes: NOD1 (nucleotide binding oligomerization domain containing 1; minus strand), ZNRF2 (zinc and ring finger 2; plus strand), MTURN (maturin, neural progenitor differentiation regulator homolog; plus strand), PLEKHA8 (pleckstrin homology domain containing A8; plus strand), GGCT (gamma-glutamylcyclotransferase; minus strand) and 7 more. Cytogenetic location: 7p14.3.
Variant type: Duplication.
Identifiers: ClinVar variation 1401428 (VCV001401428.6).